The following is an entry in ClinVar:

NM_002979.5(SCP2):c.1338G>A (p.Glu446=)

Gene: SCP2 (sterol carrier protein 2; plus strand). Cytogenetic location: 1p32.3.
Variant type: single nucleotide variant.
Coding change: c.1338G>A on transcript NM_002979.5 (MANE Select); coding-DNA position 1338, G replaced by A.
Protein change: p.Glu446=; no amino-acid change (glutamic acid 446 retained).
Molecular consequence: synonymous variant.
Genome position (GRCh38, 1-based): chr1:53,028,071, G>A. VCF-style: chr1-53028071-G-A. GRCh37 (hg19) VCF-style: chr1-53493743-G-A.
Other names: c.126G>A, p.Glu42= (NM_001007099.3, NM_001007250.3); c.117G>A, p.Glu39= (NM_001007100.3); c.1266G>A, p.Glu422= (NM_001193599.2); c.1206G>A, p.Glu402= (NM_001193600.2); c.1095G>A, p.Glu365= (NM_001193617.2).
Identifiers: ClinVar variation 1358621 (VCV001358621.5), dbSNP rs1306257154, ClinGen allele CA417619401.

ClinVar aggregate classification (germline): Uncertain significance (1 of 4 stars; one submission).

Allele frequency attached by ClinVar (database versions not stated): gnomAD exomes below 0.00001 and 0.00002; gnomAD 0.00002; TOPMed 0.00002.
gnomAD v4.1: 9 of 1,549,454 alleles (0.00058%); highest among the groups gnomAD compares: African/African-American, 0.0068%; no homozygotes.

Submission:

Labcorp Genetics (formerly Invitae), Labcorp
Classification: Uncertain significance. Last evaluated: 2022-08-15. Review status: criteria provided, single submitter. Criteria: Invitae Variant Classification Sherloc (09022015). Collection method: clinical testing. Allele origin: germline.
Comment: In summary, the available evidence is currently insufficient to determine the role of this variant in disease. Therefore, it has been classified as a Variant of Uncertain Significance. Variants that disrupt the consensus splice site are a relatively common cause of aberrant splicing (PMID: 17576681, 9536098). Algorithms developed to predict the effect of sequence changes on RNA splicing suggest that this variant may disrupt the consensus splice site. ClinVar contains an entry for this variant (Variation ID: 1358621). This variant has not been reported in the literature in individuals affected with SCP2-related conditions. This variant is present in population databases (no rsID available, gnomAD 0.02%). This sequence change affects codon 446 of the SCP2 mRNA. It is a 'silent' change, meaning that it does not change the encoded amino acid sequence of the SCP2 protein. This variant also falls at the last nucleotide of exon 13, which is part of the consensus splice site for this exon.

Literature cited by the submitters: PubMed 17576681; PubMed 9536098.